The following is an entry in ClinVar:

NM_015910.7(WDPCP):c.1715A>C (p.Lys572Thr)

Gene: WDPCP (WD repeat containing planar cell polarity effector; minus strand). Cytogenetic location: 2p15.
Variant type: single nucleotide variant.
Coding change: c.1715A>C on transcript NM_015910.7 (MANE Select); coding-DNA position 1715, A replaced by C.
Protein change: p.Lys572Thr; replaces lysine 572 with threonine.
Molecular consequence: missense variant. On other transcripts: non-coding transcript variant (3).
Genome position (GRCh38, 1-based): chr2:63,378,419, T>G on the plus strand (A>C on the coding strand, the complement: WDPCP is on the minus strand). VCF-style: chr2-63378419-T-G. GRCh37 (hg19) VCF-style: chr2-63605554-T-G.
Other names: c.1238A>C, p.Lys413Thr (NM_001042692.3); c.1643A>C, p.Lys548Thr (NM_001354044.2); c.1715A>C, p.Lys572Thr (NM_001354045.2); short protein forms K572T, K548T, K413T.
Identifiers: ClinVar variation 1993993 (VCV001993993.4), dbSNP rs1458647975, ClinGen allele CA347062881.

ClinVar aggregate classification (germline): Uncertain significance (1 of 4 stars; one submission).

Conditions:
Bardet-Biedl syndrome (BBS). Identifiers: Orphanet 110, MedGen C0752166, MONDO:0015229.

Allele frequency attached by ClinVar (database versions not stated): TOPMed 0.00001.

Submission:

Labcorp Genetics (formerly Invitae), Labcorp
Classification: Uncertain significance for Bardet-Biedl syndrome. Last evaluated: 2022-08-31. Review status: criteria provided, single submitter. Criteria: Invitae Variant Classification Sherloc (09022015). Collection method: clinical testing. Allele origin: germline.
Comment: In summary, the available evidence is currently insufficient to determine the role of this variant in disease. Therefore, it has been classified as a Variant of Uncertain Significance. Algorithms developed to predict the effect of missense changes on protein structure and function (SIFT, PolyPhen-2, Align-GVGD) all suggest that this variant is likely to be tolerated. This variant has not been reported in the literature in individuals affected with WDPCP-related conditions. This variant is not present in population databases (gnomAD no frequency). This sequence change replaces lysine, which is basic and polar, with threonine, which is neutral and polar, at codon 572 of the WDPCP protein (p.Lys572Thr).